The following is an entry in ClinVar:

ClinVar aggregate classification (germline): Uncertain significance (1 of 4 stars; one submission).

gnomAD v4.1: 1 of 1,586,056 alleles (0.000063%); highest among the groups gnomAD compares: Non-Finnish European, 0.000086%; no homozygotes.

Submission:

Labcorp Genetics (formerly Invitae), Labcorp
Classification: Uncertain significance. Last evaluated: 2024-06-17. Review status: criteria provided, single submitter. Criteria: Invitae Variant Classification Sherloc (09022015). Collection method: clinical testing. Allele origin: germline.
Comment: This sequence change replaces proline, which is neutral and non-polar, with leucine, which is neutral and non-polar, at codon 848 of the BRD4 protein (p.Pro848Leu). This variant is not present in population databases (gnomAD no frequency). This variant has not been reported in the literature in individuals affected with BRD4-related conditions. ClinVar contains an entry for this variant (Variation ID: 1716873). Advanced modeling of protein sequence and biophysical properties (such as structural, functional, and spatial information, amino acid conservation, physicochemical variation, residue mobility, and thermodynamic stability) performed at Invitae indicates that this missense variant is not expected to disrupt BRD4 protein function with a negative predictive value of 80%. In summary, the available evidence is currently insufficient to determine the role of this variant in disease. Therefore, it has been classified as a Variant of Uncertain Significance.

NM_001379291.1(BRD4):c.2543C>T (p.Pro848Leu)

Gene: BRD4 (bromodomain containing 4; minus strand). Cytogenetic location: 19p13.12.
Variant type: single nucleotide variant.
Coding change: c.2543C>T on transcript NM_001379291.1 (MANE Select); coding-DNA position 2543, C replaced by T.
Protein change: p.Pro848Leu; replaces proline 848 with leucine.
Molecular consequence: missense variant.
Genome position (GRCh38, 1-based): chr19:15,244,269, G>A on the plus strand (C>T on the coding strand, the complement: BRD4 is on the minus strand). VCF-style: chr19-15244269-G-A. GRCh37 (hg19) VCF-style: chr19-15355080-G-A.
Other names: c.2543C>T, p.Pro848Leu (NM_058243.3); short protein forms P848L.
Identifiers: ClinVar variation 1716873 (VCV001716873.5), dbSNP rs2145515422, ClinGen allele CA404506950.